The following is an entry in ClinVar:

NM_001035.3(RYR2):c.5732A>T (p.Gln1911Leu)

Gene: RYR2 (ryanodine receptor 2; plus strand). Cytogenetic location: 1q43.
Variant type: single nucleotide variant.
Coding change: c.5732A>T on transcript NM_001035.3 (MANE Select); coding-DNA position 5732, A replaced by T.
Protein change: p.Gln1911Leu; replaces glutamine 1911 with leucine.
Molecular consequence: missense variant.
Genome position (GRCh38, 1-based): chr1:237,617,302, A>T. VCF-style: chr1-237617302-A-T. GRCh37 (hg19) VCF-style: chr1-237780602-A-T.
Other names: c.5732A>T, p.Gln1911Leu (LRG_402t1); short protein forms Q1911L.
Identifiers: ClinVar variation 180495 (VCV000180495.2), dbSNP rs730880193, ClinGen allele CA009998.

ClinVar aggregate classification (germline): Uncertain significance (1 of 4 stars; one submission).

Conditions:
Catecholaminergic polymorphic ventricular tachycardia 1. Also called: VENTRICULAR TACHYCARDIA, STRESS-INDUCED POLYMORPHIC 1; VENTRICULAR TACHYCARDIA, CATECHOLAMINERGIC POLYMORPHIC, 1, WITH OR WITHOUT ATRIAL DYSFUNCTION AND/OR DILATED CARDIOMYOPATHY; RYR2-Related Catecholaminergic Polymorphic Ventricular Tachycardia. Identifiers: Orphanet 3286, MedGen C1631597, MONDO:0011484, OMIM 604772.

Submission:

Labcorp Genetics (formerly Invitae), Labcorp
Classification: Uncertain significance for Catecholaminergic polymorphic ventricular tachycardia 1. Last evaluated: 2026-01-11. Review status: criteria provided, single submitter. Criteria: Invitae Variant Classification Sherloc (09022015). Collection method: clinical testing. Allele origin: germline.
Comment: This sequence change replaces glutamine, which is neutral and polar, with leucine, which is neutral and non-polar, at codon 1911 of the RYR2 protein (p.Gln1911Leu). This variant is not present in population databases (gnomAD no frequency). This variant has not been reported in the literature in individuals affected with RYR2-related conditions. ClinVar contains an entry for this variant (Variation ID: 180495). Invitae Evidence Modeling of protein sequence and biophysical properties (such as structural, functional, and spatial information, amino acid conservation, physicochemical variation, residue mobility, and thermodynamic stability) indicates that this missense variant is not expected to disrupt RYR2 protein function with a negative predictive value of 95%. Algorithms developed to predict the effect of sequence changes on RNA splicing suggest that this variant may create or strengthen a splice site. In summary, the available evidence is currently insufficient to determine the role of this variant in disease. Therefore, it has been classified as a Variant of Uncertain Significance.